The following is an entry in ClinVar:

ClinVar aggregate classification (germline): Uncertain significance (1 of 4 stars; one submission).

Conditions:
IFT74-related disorder. Also called: IFT74-Related Disorders; IFT74-related condition.

Submission:

PreventionGenetics, part of Exact Sciences
Classification: Uncertain significance for IFT74-related condition. Last evaluated: 2026-02-16. Review status: criteria provided, single submitter. Criteria: ACMG Guidelines, 2015. Collection method: clinical testing. Allele origin: germline.
Comment: The IFT74 c.77C>A variant is predicted to result in the amino acid substitution p.Ser26Tyr. To our knowledge, this variant has not been reported in the literature or in gnomAD, indicating this variant is rare. At this time, the clinical significance of this variant is uncertain due to the absence of conclusive functional and genetic evidence.

NM_025103.4(IFT74):c.77C>A (p.Ser26Tyr)

Gene: IFT74 (intraflagellar transport 74; plus strand). Cytogenetic location: 9p21.2.
Variant type: single nucleotide variant.
Coding change: c.77C>A on transcript NM_025103.4 (MANE Select); coding-DNA position 77, C replaced by A.
Protein change: p.Ser26Tyr; replaces serine 26 with tyrosine.
Molecular consequence: missense variant.
Genome position (GRCh38, 1-based): chr9:26,962,044, C>A. VCF-style: chr9-26962044-C-A. GRCh37 (hg19) VCF-style: chr9-26962042-C-A.
Other names: c.77C>A, p.Ser26Tyr (NM_001099222.3, NM_001099223.3, NM_001099224.3 and 1 more transcripts); short protein forms S26Y.
Identifiers: ClinVar variation 4979611 (VCV004979611.1).